The following is an entry in ClinVar:

NM_014249.4(NR2E3):c.224T>C (p.Val75Ala)

Gene: NR2E3 (nuclear receptor subfamily 2 group E member 3; plus strand). Cytogenetic location: 15q23.
Variant type: single nucleotide variant.
Coding change: c.224T>C on transcript NM_014249.4 (MANE Select); coding-DNA position 224, T replaced by C.
Protein change: p.Val75Ala; replaces valine 75 with alanine.
Molecular consequence: missense variant.
Genome position (GRCh38, 1-based): chr15:71,811,588, T>C. VCF-style: chr15-71811588-T-C. GRCh37 (hg19) VCF-style: chr15-72103928-T-C.
Other names: c.224T>C, p.Val75Ala (NM_016346.4); short protein forms V75A.
Identifiers: ClinVar variation 1721741 (VCV001721741.5), dbSNP rs2543253361, ClinGen allele CA393032159.
Genomic context (GRCh38, chr15:71,811,588, plus strand): 5'-GCGGGAAGCACTATGGCATCTATGCCTGCAACGGCTGCAGCGGCTTCTTCAAGAGGAGCG[T>C]ACGGCGGAGGCTCATCTACAGGTGAGTGCGGTGGGCCCTGCTGGGCGTCTGCCCCTGAGG-3'
Protein context (NP_055064.1, residues 65-85): NGCSGFFKRS[Val75Ala]RRRLIYRCQV

ClinVar aggregate classification (germline): Uncertain significance (1 of 4 stars; one submission).

Submission:

Labcorp Genetics (formerly Invitae), Labcorp
Classification: Uncertain significance. Last evaluated: 2024-12-08. Review status: criteria provided, single submitter. Criteria: Invitae Variant Classification Sherloc (09022015). Collection method: clinical testing. Allele origin: germline.
Comment: This sequence change replaces valine, which is neutral and non-polar, with alanine, which is neutral and non-polar, at codon 75 of the NR2E3 protein (p.Val75Ala). This variant is not present in population databases (gnomAD no frequency). This variant has not been reported in the literature in individuals affected with NR2E3-related conditions. ClinVar contains an entry for this variant (Variation ID: 1721741). Invitae Evidence Modeling of protein sequence and biophysical properties (such as structural, functional, and spatial information, amino acid conservation, physicochemical variation, residue mobility, and thermodynamic stability) indicates that this missense variant is not expected to disrupt NR2E3 protein function with a negative predictive value of 80%. In summary, the available evidence is currently insufficient to determine the role of this variant in disease. Therefore, it has been classified as a Variant of Uncertain Significance.